The following is an entry in ClinVar:

NM_002878.4(RAD51D):c.790C>G (p.Leu264Val)

Genes: RAD51D (RAD51 paralog D; minus strand), RAD51L3-RFFL (RAD51L3-RFFL readthrough; minus strand). Cytogenetic location: 17q12.
Variant type: single nucleotide variant.
Coding change: c.790C>G on transcript NM_002878.4 (MANE Select); coding-DNA position 790, C replaced by G.
Protein change: p.Leu264Val; replaces leucine 264 with valine.
Molecular consequence: missense variant. On other transcripts: non-coding transcript variant (3).
Genome position (GRCh38, 1-based): chr17:35,101,314, G>C on the plus strand (C>G on the coding strand, the complement: RAD51D is on the minus strand). VCF-style: chr17-35101314-G-C. GRCh37 (hg19) VCF-style: chr17-33428333-G-C.
Other names: c.850C>G, p.Leu284Val (NM_001142571.2); c.454C>G, p.Leu152Val (NM_133629.3); short protein forms L284V, L264V, L152V.
Identifiers: ClinVar variation 5027850 (VCV005027850.1).

ClinVar aggregate classification (germline): Uncertain significance (1 of 4 stars; one submission).

Conditions:
Hereditary cancer-predisposing syndrome. Also called: Neoplastic Syndromes, Hereditary; Tumor predisposition; Hereditary neoplastic syndrome; Hereditary Cancer Syndrome. Identifiers: Orphanet 140162, MedGen C0027672, MeSH D009386, MONDO:0015356.

Submission:

Ambry Genetics
Classification: Uncertain significance for Hereditary cancer-predisposing syndrome. Last evaluated: 2026-08-28. Review status: criteria provided, single submitter. Criteria: Ambry Variant Classification Scheme 2023. Collection method: clinical testing. Allele origin: germline.
Comment: The p.L264V variant (also known as c.790C>G), located in coding exon 9 of the RAD51D gene, results from a C to G substitution at nucleotide position 790. The leucine at codon 264 is replaced by valine, an amino acid with highly similar properties. This amino acid position is conserved. In addition, the in silico prediction for this alteration is inconclusive. Based on the available evidence, the clinical significance of this variant remains unclear.